The following is an entry in ClinVar:

NM_000722.4(CACNA2D1):c.241A>C (p.Ile81Leu)

Gene: CACNA2D1 (calcium voltage-gated channel auxiliary subunit alpha2delta 1; minus strand). Cytogenetic location: 7q21.11.
Variant type: single nucleotide variant.
Coding change: c.241A>C on transcript NM_000722.4 (MANE Select); coding-DNA position 241, A replaced by C.
Protein change: p.Ile81Leu; replaces isoleucine 81 with leucine.
Molecular consequence: missense variant.
Genome position (GRCh38, 1-based): chr7:82,335,188, T>G on the plus strand (A>C on the coding strand, the complement: CACNA2D1 is on the minus strand). VCF-style: chr7-82335188-T-G. GRCh37 (hg19) VCF-style: chr7-81964504-T-G.
Other names: c.241A>C, p.Ile81Leu (NM_001302890.2, NM_001366867.1); short protein forms I81L.
Identifiers: ClinVar variation 3826701 (VCV003826701.1).

ClinVar aggregate classification (germline): Uncertain significance (1 of 4 stars; one submission).

Conditions:
Cardiovascular phenotype. Identifiers: MedGen CN230736.

Submission:

Ambry Genetics
Classification: Uncertain significance for Cardiovascular phenotype. Last evaluated: 2025-02-15. Review status: criteria provided, single submitter. Criteria: Ambry Variant Classification Scheme 2023. Collection method: clinical testing. Allele origin: germline.
Comment: The p.I81L variant (also known as c.241A>C), located in coding exon 3 of the CACNA2D1 gene, results from an A to C substitution at nucleotide position 241. The isoleucine at codon 81 is replaced by leucine, an amino acid with highly similar properties. This amino acid position is conserved. In addition, this alteration is predicted to be tolerated by in silico analysis. Based on the available evidence, the clinical significance of this variant remains unclear.